The following is an entry in ClinVar:

NM_005560.6(LAMA5):c.8339G>A (p.Arg2780His)

Gene: LAMA5 (laminin subunit alpha 5; minus strand). Cytogenetic location: 20q13.33.
Variant type: single nucleotide variant.
Coding change: c.8339G>A on transcript NM_005560.6 (MANE Select); coding-DNA position 8339, G replaced by A.
Protein change: p.Arg2780His; replaces arginine 2780 with histidine.
Molecular consequence: missense variant.
Genome position (GRCh38, 1-based): chr20:62,314,583, C>T on the plus strand (G>A on the coding strand, the complement: LAMA5 is on the minus strand). VCF-style: chr20-62314583-C-T. GRCh37 (hg19) VCF-style: chr20-60889639-C-T.
Other names: c.8339G>A (NM_005560.4); short protein forms R2780H.
Identifiers: ClinVar variation 1942410 (VCV001942410.6), dbSNP rs199827944, ClinGen allele CA9940770.

ClinVar aggregate classification (germline): Benign/Likely benign. Review status: criteria provided, multiple submitters, no conflicts (2 of 4 stars). 2 submissions from 2 submitters: Benign (1); Likely benign (1). Last evaluated 2025-11-24.

Conditions:
LAMA5-related disorder. Also called: LAMA5-related condition; LAMA5-Related Disorders.

Allele frequency attached by ClinVar (database versions not stated): TOPMed 0.00002; gnomAD 0.00013; 1000 Genomes Project 0.00040; ExAC 0.00043; 1000 Genomes Project 30x 0.00125.
gnomAD v4.1: 356 of 1,611,058 alleles (0.022%); highest among the groups gnomAD compares: South Asian, 0.37%; 6 homozygotes.

Submissions (2):

PreventionGenetics, part of Exact Sciences
Classification: Likely benign for LAMA5-related condition. Last evaluated: 2025-11-24. Review status: criteria provided, single submitter. Criteria: ACMG Guidelines, 2015. Collection method: clinical testing. Allele origin: germline.
Comment: This variant is classified as likely benign based on ACMG/AMP sequence variant interpretation guidelines (Richards et al. 2015 PMID: 25741868, with internal and published modifications).

Labcorp Genetics (formerly Invitae), Labcorp
Classification: Benign. Last evaluated: 2024-10-17. Review status: criteria provided, single submitter. Criteria: Invitae Variant Classification Sherloc (09022015). Collection method: clinical testing. Allele origin: germline.